The following is an entry in ClinVar:

ClinVar aggregate classification (germline): Benign. Review status: criteria provided, multiple submitters, no conflicts (2 of 4 stars). 4 submissions from 4 submitters: Benign (4). Last evaluated 2025-04-09.

Conditions:
Hutchinson-Gilford syndrome (HGPS). Also called: Hutchinson-Gilford Progeria Syndrome. Identifiers: Orphanet 740, MedGen C0033300, MONDO:0008310, OMIM 176670.

Allele frequency attached by ClinVar (database versions not stated): gnomAD exomes 0.10032; ExAC 0.16301; gnomAD 0.18271 and 0.18886; ESP Exome Variant Server 0.18754; TOPMed 0.19555; 1000 Genomes Project 0.19768; 1000 Genomes Project 30x 0.20565.
gnomAD v4.1: 83,490 of 769,892 alleles (11%); highest among the groups gnomAD compares: African/African-American, 46%; 9,118 homozygotes.

Submissions (4):

Molecular Diagnostic Laboratory for Inherited Cardiovascular Disease, Montreal Heart Institute
Classification: Benign. Last evaluated: 2025-04-09. Review status: criteria provided, single submitter. Criteria: ACMG Guidelines, 2015. Collection method: clinical testing. Allele origin: germline. Affected: no.

Mendelics
Classification: Benign for Hutchinson-Gilford syndrome. Last evaluated: 2019-05-28. Review status: criteria provided, single submitter. Criteria: Mendelics Assertion Criteria 2017. Collection method: clinical testing. Allele origin: unknown.

Biesecker Lab/Clinical Genomics Section, National Institutes of Health
Classification: Benign. Last evaluated: 2013-06-24. Review status: criteria provided, single submitter. Criteria: Ng et al. (Circ Cardiovasc Genet. 2013). Collection method: research. Allele origin: unknown. Observed: 24 variant alleles. Study: ClinSeq.
Comment: The study set was not selected for affection status in relation to any cancer. Pathogenicity categories were based on literature curation. See Pubmed ID:23861362 for details.

Medical sequencing

Breakthrough Genomics
Classification: Benign. Review status: criteria provided, single submitter. Criteria: ACMG Guidelines, 2015. Collection method: not provided. Allele origin: germline. Inheritance: Autosomal recessive inheritance. Affected: yes.

NM_170707.4(LMNA):c.357-739T>G

Gene: LMNA (lamin A/C; plus strand). Cytogenetic location: 1q22.
Variant type: single nucleotide variant.
Coding change: c.357-739T>G on transcript NM_170707.4 (MANE Select); 739 bases into the intron before coding-DNA position 357, T replaced by G.
Molecular consequence: intron variant.
Genome position (GRCh38, 1-based): chr1:156,129,878, T>G. VCF-style: chr1-156129878-T-G. GRCh37 (hg19) VCF-style: chr1-156099669-T-G.
Other names: c.357-739T>G (NM_170707.3, NM_001282625.2, NM_001282626.2 and 2 more transcripts); c.21-739T>G (NM_001257374.3); c.114-739T>G (NM_001282624.2).
Identifiers: ClinVar variation 192190 (VCV000192190.4), dbSNP rs513043, ClinGen allele CA017992.
Genomic context (GRCh38, chr1:156,129,878, plus strand): 5'-GAGGAGCAGGGAGGCTTAAAGCTGGGGCCCAGATGGACCTGGAGGCCTGGGATCCACATC[T>G]GGAACCAGATGCTGAGGCTATGGTAGATGGGTAGGGCTCAGCCTTCTCCCAGGGCACGGA-3'